The following is an entry in ClinVar:

NM_000732.6(CD3D):c.450+60C>G

Gene: CD3D (CD3 delta subunit of T-cell receptor complex; minus strand). Cytogenetic location: 11q23.3.
Variant type: single nucleotide variant.
Coding change: c.450+60C>G on transcript NM_000732.6 (MANE Select); 60 bases into the intron after coding-DNA position 450, C replaced by G.
Molecular consequence: intron variant.
Genome position (GRCh38, 1-based): chr11:118,339,391, G>C on the plus strand (C>G on the coding strand, the complement: CD3D is on the minus strand). VCF-style: chr11-118339391-G-C. GRCh37 (hg19) VCF-style: chr11-118210106-G-C.
Other names: c.318+60C>G (NM_001040651.2).
Identifiers: ClinVar variation 1291549 (VCV001291549.5), dbSNP rs2276423, ClinGen allele CA13471981.

ClinVar aggregate classification (germline): Benign. Review status: criteria provided, multiple submitters, no conflicts (2 of 4 stars). 3 submissions from 3 submitters: Benign (3). Last evaluated 2023-11-12.

Allele frequency attached by ClinVar (database versions not stated): TOPMed 0.70074; 1000 Genomes Project 30x 0.70425; 1000 Genomes Project 0.71166; gnomAD 0.71246 and 0.71247; ESP Exome Variant Server 0.72230; gnomAD exomes 0.73315.
gnomAD v4.1: 1,159,253 of 1,585,296 alleles (73%); highest among the groups gnomAD compares: East Asian, 76%; 426,056 homozygotes.

Submissions (3):

Unidad de Genómica Garrahan, Hospital de Pediatría Garrahan
Classification: Benign. Last evaluated: 2023-11-12. Review status: criteria provided, single submitter. Criteria: ACMG Guidelines, 2015. Collection method: clinical testing. Allele origin: germline. Affected: no. Observed: 77 variant alleles.
Comment: This variant is classified as Benign based on local population frequency. This variant was detected in 80% of patients studied by a panel of primary immunodeficiencies. Number of patients: 77. Only high quality variants are reported.

GeneDx
Classification: Benign. Last evaluated: 2018-06-23. Review status: criteria provided, single submitter. Criteria: GeneDx Variant Classification Process June 2021. Collection method: clinical testing. Allele origin: germline. Affected: yes.

Breakthrough Genomics
Classification: Benign. Review status: criteria provided, single submitter. Criteria: ACMG Guidelines, 2015. Collection method: not provided. Allele origin: germline. Inheritance: Autosomal recessive inheritance. Affected: yes.